The following is an entry in ClinVar:

NM_004370.6(COL12A1):c.6211A>G (p.Thr2071Ala)

Gene: COL12A1 (collagen type XII alpha 1 chain; minus strand). Cytogenetic location: 6q13.
Variant type: single nucleotide variant.
Coding change: c.6211A>G on transcript NM_004370.6 (MANE Select); coding-DNA position 6211, A replaced by G.
Protein change: p.Thr2071Ala; replaces threonine 2071 with alanine.
Molecular consequence: missense variant.
Genome position (GRCh38, 1-based): chr6:75,128,425, T>C on the plus strand (A>G on the coding strand, the complement: COL12A1 is on the minus strand). VCF-style: chr6-75128425-T-C. GRCh37 (hg19) VCF-style: chr6-75838141-T-C.
Other names: c.2719A>G, p.Thr907Ala (NM_080645.3); short protein forms T2071A, T907A.
Identifiers: ClinVar variation 657446 (VCV000657446.9), dbSNP rs1390899930, ClinGen allele CA364730601.

ClinVar aggregate classification (germline): Uncertain significance (1 of 4 stars; one submission).

Conditions:
Ullrich congenital muscular dystrophy 2 (UCMD2). Identifiers: Orphanet 75840, MedGen C4225314, MONDO:0014654, OMIM 616470.
Bethlem myopathy 2 (BTHLM2). Identifiers: Orphanet 536516, Orphanet 610, MedGen C4225313, MONDO:0034022, OMIM 616471.

Allele frequency attached by ClinVar (database versions not stated): gnomAD 0.00001; TOPMed 0.00001.

Submission:

Labcorp Genetics (formerly Invitae), Labcorp
Classification: Uncertain significance for Bethlem myopathy 2; Ullrich congenital muscular dystrophy 2. Last evaluated: 2018-07-11. Review status: criteria provided, single submitter. Criteria: Invitae Variant Classification Sherloc (09022015). Collection method: clinical testing. Allele origin: germline.
Comment: This sequence change replaces threonine with alanine at codon 2071 of the COL12A1 protein (p.Thr2071Ala). The threonine residue is highly conserved and there is a small physicochemical difference between threonine and alanine. This variant is not present in population databases (ExAC no frequency). This variant has not been reported in the literature in individuals with COL12A1-related disease. Algorithms developed to predict the effect of missense changes on protein structure and function are either unavailable or do not agree on the potential impact of this missense change (SIFT: "Tolerated"; PolyPhen-2: "Probably Damaging"; Align-GVGD: "Class C0"). In summary, the available evidence is currently insufficient to determine the role of this variant in disease. Therefore, it has been classified as a Variant of Uncertain Significance.